The following is an entry in ClinVar:

NM_052865.4(MGME1):c.563_564delinsT (p.Ser188fs)

Gene: MGME1 (mitochondrial genome maintenance exonuclease 1; plus strand). Cytogenetic location: 20p11.23.
Variant type: Indel.
Coding change: c.563_564delinsT on transcript NM_052865.4 (MANE Select); coding-DNA positions 563 to 564, CA replaced by T.
Protein change: p.Ser188fs; shifts the reading frame from serine 188.
Molecular consequence: frameshift variant. On other transcripts: intron variant (1).
Genome position (GRCh38, 1-based): chr20:17,975,735-17,975,736, CA replaced by T. VCF-style: chr20-17975735-CA-T. GRCh37 (hg19) VCF-style: chr20-17956378-CA-T.
Other names: c.608_609delinsT, p.Ser203fs (NM_001310338.2); c.323_324delinsT, p.Ser108fs (NM_001363738.2); c.511+5365_511+5366delinsT (NM_001310339.2); short protein forms S108fs, S188fs, S203fs.
Identifiers: ClinVar variation 1204680 (VCV001204680.3), dbSNP rs2122527220, ClinGen allele CA2499225686.
Genomic context (GRCh38, chr20:17,975,735, plus strand): 5'-TCTTTTCAGACGTCTTTTTACAAGGGAAACGGTTCCACGAAGCCTTGGAAAGCATACTTT[CA>T]CCCCAGGAAACCTTAAAAGAGAGAGATGAAAATCTCCTCAAGTCTGGTTACATTGAAAGT-3'

ClinVar aggregate classification (germline): Uncertain significance (1 of 4 stars; one submission).

Submission:

GeneDx
Classification: Uncertain significance. Last evaluated: 2020-03-20. Review status: criteria provided, single submitter. Criteria: GeneDx Variant Classification Process June 2021. Collection method: clinical testing. Allele origin: germline. Affected: yes.
Comment: Frameshift variant predicted to result in protein truncation or nonsense mediated decay in a gene for which loss-of-function is a known mechanism of disease; Has not been previously published as pathogenic or benign to our knowledge